The following is an entry in ClinVar:

ClinVar aggregate classification (germline): Uncertain significance (1 of 4 stars; one submission).

Conditions:
Evans syndrome, immunodeficiency, and premature immunosenescence associated with tripeptidyl-peptidase II deficiency. Identifiers: MedGen CN231723. Disease mechanism: loss of function.

Allele frequency attached by ClinVar (database versions not stated): gnomAD exomes below 0.00001.
gnomAD v4.1: 2 of 1,586,728 alleles (0.00013%); highest among the groups gnomAD compares: Non-Finnish European, 0.00017%; no homozygotes.

Submission:

Labcorp Genetics (formerly Invitae), Labcorp
Classification: Uncertain significance for Evans syndrome, immunodeficiency, and premature immunosenescence associated with tripeptidyl-peptidase II deficiency. Last evaluated: 2022-04-08. Review status: criteria provided, single submitter. Criteria: Invitae Variant Classification Sherloc (09022015). Collection method: clinical testing. Allele origin: germline.
Comment: In summary, the available evidence is currently insufficient to determine the role of this variant in disease. Therefore, it has been classified as a Variant of Uncertain Significance. Algorithms developed to predict the effect of missense changes on protein structure and function output the following: SIFT: "Tolerated"; PolyPhen-2: "Benign"; Align-GVGD: "Class C0". The asparagine amino acid residue is found in multiple mammalian species, which suggests that this missense change does not adversely affect protein function. This variant has not been reported in the literature in individuals affected with TPP2-related conditions. This variant is not present in population databases (gnomAD no frequency). This sequence change replaces serine, which is neutral and polar, with asparagine, which is neutral and polar, at codon 1004 of the TPP2 protein (p.Ser1004Asn).

NM_001330588.2(TPP2):c.3050G>A (p.Ser1017Asn)

Gene: TPP2 (tripeptidyl peptidase 2; plus strand). Cytogenetic location: 13q33.1.
Variant type: single nucleotide variant.
Coding change: c.3050G>A on transcript NM_001330588.2 (MANE Select); coding-DNA position 3050, G replaced by A.
Protein change: p.Ser1017Asn; replaces serine 1017 with asparagine.
Molecular consequence: missense variant. On other transcripts: non-coding transcript variant (1).
Genome position (GRCh38, 1-based): chr13:102,657,114, G>A. VCF-style: chr13-102657114-G-A. GRCh37 (hg19) VCF-style: chr13-103309464-G-A.
Other names: c.3011G>A, p.Ser1004Asn (NM_001367947.1, NM_003291.4); short protein forms S1004N, S1017N.
Identifiers: ClinVar variation 1959511 (VCV001959511.5), dbSNP rs2504071797, ClinGen allele CA388503892.